The following is an entry in ClinVar:

ClinVar aggregate classification (germline): Uncertain significance (1 of 4 stars; one submission).

Submission:

Labcorp Genetics (formerly Invitae), Labcorp
Classification: Uncertain significance. Last evaluated: 2022-03-25. Review status: criteria provided, single submitter. Criteria: Invitae Variant Classification Sherloc (09022015). Collection method: clinical testing. Allele origin: germline.
Comment: This variant is not present in population databases (gnomAD no frequency). This sequence change replaces valine, which is neutral and non-polar, with methionine, which is neutral and non-polar, at codon 326 of the TSFM protein (p.Val326Met). This variant has not been reported in the literature in individuals affected with TSFM-related conditions. In summary, the available evidence is currently insufficient to determine the role of this variant in disease. Therefore, it has been classified as a Variant of Uncertain Significance. Algorithms developed to predict the effect of missense changes on protein structure and function are either unavailable or do not agree on the potential impact of this missense change (SIFT: "Tolerated"; PolyPhen-2: "Probably Damaging"; Align-GVGD: "Class C0").

NM_005726.6(TSFM):c.913G>A (p.Val305Met)

Gene: TSFM (Ts translation elongation factor, mitochondrial; plus strand). Cytogenetic location: 12q14.1.
Variant type: single nucleotide variant.
Coding change: c.913G>A on transcript NM_005726.6 (MANE Select); coding-DNA position 913, G replaced by A.
Protein change: p.Val305Met; replaces valine 305 with methionine.
Molecular consequence: missense variant. On other transcripts: 3 prime UTR variant (1), intron variant (1).
Genome position (GRCh38, 1-based): chr12:57,796,518, G>A. VCF-style: chr12-57796518-G-A. GRCh37 (hg19) VCF-style: chr12-58190301-G-A.
Other names: c.*321G>A (NM_001172695.2); c.976G>A, p.Val326Met (NM_001172696.2); c.571+3445G>A (NM_001172697.2); short protein forms V305M, V326M.
Identifiers: ClinVar variation 2116201 (VCV002116201.4), dbSNP rs770653545, ClinGen allele CA385532097.
Genomic context (GRCh38, chr12:57,796,518, plus strand): 5'-TCCCAGCCGTATTTGCTGGATCCCTCCATTACCTTGGGGCAGTATGTGCAGCCTCAGGGG[G>A]TGTCGGTAGTAGACTTTGTGCGGTTTGAATGTGGAGAAGGTGAAGAGGCAGCAGAAACTG-3'
Protein context (NP_005717.3, residues 295-315): TLGQYVQPQG[Val305Met]SVVDFVRFEC